The following is an entry in ClinVar:

ClinVar aggregate classification (germline): Likely benign. Review status: criteria provided, single submitter (1 of 4 stars). 2 submissions from 2 submitters: Likely benign (1). 1 of the submissions does not count toward it. Last evaluated 2025-06-12.

Submissions (2):

Labcorp Genetics (formerly Invitae), Labcorp
Classification: Likely benign. Last evaluated: 2025-06-12. Review status: criteria provided, single submitter. Criteria: Invitae Variant Classification Sherloc (09022015). Collection method: clinical testing. Allele origin: germline.

Genetic Services Laboratory, University of Chicago
Classification: Uncertain significance. Last evaluated: 2022-07-14. Review status: no assertion criteria provided. Collection method: clinical testing. Allele origin: germline. Affected: no. Not counted in ClinVar's aggregate classification.
Comment: DNA sequence analysis of the ERCC6L2 gene demonstrated a deletion in intron 14, c.2133+13_2133+15del. This change does not appear to have been previously described in individuals with ERCC6L2-related disorders. This sequence change has been described in the gnomAD database with a frequency of 0.008% in the European subpopulation (dbSNP rs748233675). This sequence change is not predicted to have a deleterious effect on splicing based on in-silico splice prediction programs. The functional significance of this sequence change is not known at present and its contribution to this individual's disease phenotype cannot definitively be determined.

NM_020207.7(ERCC6L2):c.2100+13_2100+15del

Gene: ERCC6L2 (ERCC excision repair 6 like 2; plus strand). Cytogenetic location: 9q22.32.
Variant type: Microsatellite.
Coding change: c.2100+13_2100+15del on transcript NM_020207.7 (MANE Select); bases 13 to 15 of the intron after coding-DNA position 2100, 3 bases deleted (TCT; older notation c.2100+13_2100+15delTCT).
Molecular consequence: intron variant. On other transcripts: 3 prime UTR variant (1).
Genome position (GRCh38, 1-based): chr9:95,966,727-95,966,729, TCT deleted; deleting any 3 consecutive bases within chr9:95,966,722-95,966,729 gives the same sequence; the c. name uses the placement nearest the transcript's 3' end. VCF-style (leftmost placement, unchanged base first): chr9-95966721-ACTT-A. GRCh37 (hg19) VCF-style: chr9-98729003-ACTT-A.
Other names: c.2133+13_2133+15del (NM_020207.4); c.*4TCT[1] (NM_001010895.4); c.2100+13_2100+15del (NM_001375291.1, NM_001375292.1, NM_001375294.1 and 1 more transcripts).
Identifiers: ClinVar variation 1915788 (VCV001915788.7), dbSNP rs748233675, ClinGen allele CA5139791.